The following is an entry in ClinVar:

NM_030962.4(SBF2):c.3968C>T (p.Ser1323Leu)

Gene: SBF2 (SET binding factor 2; minus strand). Cytogenetic location: 11p15.4.
Variant type: single nucleotide variant.
Coding change: c.3968C>T on transcript NM_030962.4 (MANE Select); coding-DNA position 3968, C replaced by T.
Protein change: p.Ser1323Leu; replaces serine 1323 with leucine.
Molecular consequence: missense variant.
Genome position (GRCh38, 1-based): chr11:9,816,850, G>A on the plus strand (C>T on the coding strand, the complement: SBF2 is on the minus strand). VCF-style: chr11-9816850-G-A. GRCh37 (hg19) VCF-style: chr11-9838397-G-A.
Other names: c.4064C>T, p.Ser1355Leu (NM_001386339.1); c.3839C>T, p.Ser1280Leu (NM_001386342.1); short protein forms S1323L, S1280L, S1355L.
Identifiers: ClinVar variation 935849 (VCV000935849.7), dbSNP rs369288449, ClinGen allele CA217624449.

ClinVar aggregate classification (germline): Uncertain significance (1 of 4 stars; one submission).

Conditions:
Charcot-Marie-Tooth disease type 4. Also called: Charcot-Marie-Tooth disease, type IV; Charcot-Marie-Tooth, Type 4. Identifiers: Orphanet 64749, MedGen C4082197, MONDO:0018995.

Allele frequency attached by ClinVar (database versions not stated): gnomAD 0.00001; gnomAD exomes 0.00001; TOPMed 0.00001; ESP Exome Variant Server 0.00008.
gnomAD v4.1: 21 of 1,613,876 alleles (0.0013%); highest among the groups gnomAD compares: South Asian, 0.0055%; no homozygotes.

Submission:

Labcorp Genetics (formerly Invitae), Labcorp
Classification: Uncertain significance for Charcot-Marie-Tooth disease type 4. Last evaluated: 2022-06-09. Review status: criteria provided, single submitter. Criteria: Invitae Variant Classification Sherloc (09022015). Collection method: clinical testing. Allele origin: germline.
Comment: This sequence change replaces serine, which is neutral and polar, with leucine, which is neutral and non-polar, at codon 1323 of the SBF2 protein (p.Ser1323Leu). This variant is present in population databases (rs369288449, gnomAD 0.002%). This variant has not been reported in the literature in individuals affected with SBF2-related conditions. ClinVar contains an entry for this variant (Variation ID: 935849). Algorithms developed to predict the effect of missense changes on protein structure and function are either unavailable or do not agree on the potential impact of this missense change (SIFT: "Deleterious"; PolyPhen-2: "Possibly Damaging"; Align-GVGD: "Class C0"). In summary, the available evidence is currently insufficient to determine the role of this variant in disease. Therefore, it has been classified as a Variant of Uncertain Significance.